The following is an entry in ClinVar:

ClinVar aggregate classification (germline): Pathogenic (1 of 4 stars; one submission).

Conditions:
Long QT syndrome (LQTS). Identifiers: MedGen C0023976, MeSH D008133, MONDO:0002442. Disease mechanism: loss of function. Inheritance: Various modes of inheritance.

Submission:

Labcorp Genetics (formerly Invitae), Labcorp
Classification: Pathogenic for Long QT syndrome. Last evaluated: 2022-05-18. Review status: criteria provided, single submitter. Criteria: Invitae Variant Classification Sherloc (09022015). Collection method: clinical testing. Allele origin: germline.
Comment: Disruption of this splice site has been observed in individuals with long QT syndrome (PMID: 16244680, 19716085, 26132555, 34319147). This variant is not present in population databases (gnomAD no frequency). This sequence change affects a donor splice site in intron 7 of the KCNQ1 gene. It is expected to disrupt RNA splicing. Variants that disrupt the donor or acceptor splice site typically lead to a loss of protein function (PMID: 16199547), and loss-of-function variants in KCNQ1 are known to be pathogenic (PMID: 9323054, 19862833). Algorithms developed to predict the effect of sequence changes on RNA splicing suggest that this variant may disrupt the consensus splice site. For these reasons, this variant has been classified as Pathogenic.

Literature cited by the submitters: PubMed 16244680; PubMed 19716085; PubMed 26132555; PubMed 34319147; PubMed 16199547; PubMed 9323054; PubMed 19862833.

NM_000218.3(KCNQ1):c.1032+1G>T

Gene: KCNQ1 (potassium voltage-gated channel subfamily Q member 1; plus strand). Cytogenetic location: 11p15.5.
Variant type: single nucleotide variant.
Coding change: c.1032+1G>T on transcript NM_000218.3 (MANE Select); the canonical splice donor site of the intron after coding-DNA position 1032, G replaced by T.
Molecular consequence: splice donor variant.
Genome position (GRCh38, 1-based): chr11:2,583,546, G>T. VCF-style: chr11-2583546-G-T. GRCh37 (hg19) VCF-style: chr11-2604776-G-T.
Other names: c.762+1G>T (NM_001406837.1); c.1032+1G>T (NM_001406836.1); c.588+1G>T (NM_001406838.1); c.651+1G>T (NM_181798.2).
Identifiers: ClinVar variation 2136962 (VCV002136962.4), dbSNP rs397508070, ClinGen allele CA379133136.